The following is an entry in ClinVar:

NM_003227.4(TFR2):c.1766A>T (p.Glu589Val)

Gene: TFR2 (transferrin receptor 2; minus strand). Cytogenetic location: 7q22.1.
Variant type: single nucleotide variant.
Coding change: c.1766A>T on transcript NM_003227.4 (MANE Select); coding-DNA position 1766, A replaced by T.
Protein change: p.Glu589Val; replaces glutamic acid 589 with valine.
Molecular consequence: missense variant.
Genome position (GRCh38, 1-based): chr7:100,627,578, T>A on the plus strand (A>T on the coding strand, the complement: TFR2 is on the minus strand). VCF-style: chr7-100627578-T-A. GRCh37 (hg19) VCF-style: chr7-100225201-T-A.
Other names: c.1253A>T, p.Glu418Val (NM_001206855.3); short protein forms E418V, E589V.
Identifiers: ClinVar variation 3698738 (VCV003698738.2).
Genomic context (GRCh38, chr7:100,627,578, plus strand): 5'-CGGAGGCAGACAGGCTGAAGGACTAGCGCTGTGTCTGGGGCAGGGGGAGGACGTCTCACC[T>A]CCATAAAGGAGAACTCGACGGCAGGGACTCCCACAAAGGCCGTGAAGGAATAGGCACTGC-3'
Protein context (NP_003218.2, residues 579-599): GVPAVEFSFM[Glu589Val]DDQAYPFLHT

ClinVar aggregate classification (germline): Uncertain significance (1 of 4 stars; one submission).

Conditions:
Hereditary hemochromatosis (HFE). Identifiers: MedGen C0392514, MONDO:0006507. Disease mechanism: loss of function.

Submission:

Labcorp Genetics (formerly Invitae), Labcorp
Classification: Uncertain significance for Hereditary hemochromatosis. Last evaluated: 2024-09-29. Review status: criteria provided, single submitter. Criteria: Invitae Variant Classification Sherloc (09022015). Collection method: clinical testing. Allele origin: germline.
Comment: This sequence change replaces glutamic acid, which is acidic and polar, with valine, which is neutral and non-polar, at codon 589 of the TFR2 protein (p.Glu589Val). This variant is not present in population databases (gnomAD no frequency). This variant has not been reported in the literature in individuals affected with TFR2-related conditions. An algorithm developed to predict the effect of missense changes on protein structure and function (PolyPhen-2) suggests that this variant is likely to be disruptive. Algorithms developed to predict the effect of sequence changes on RNA splicing suggest that this variant may disrupt the consensus splice site. In summary, the available evidence is currently insufficient to determine the role of this variant in disease. Therefore, it has been classified as a Variant of Uncertain Significance.